The following is an entry in ClinVar:

NM_017534.6(MYH2):c.4242C>A (p.Asn1414Lys)

Genes: MYH2 (myosin heavy chain 2; minus strand), MYHAS (myosin heavy chain gene cluster antisense RNA; plus strand). Cytogenetic location: 17p13.1.
Variant type: single nucleotide variant.
Coding change: c.4242C>A on transcript NM_017534.6 (MANE Select); coding-DNA position 4242, C replaced by A.
Protein change: p.Asn1414Lys; replaces asparagine 1414 with lysine.
Molecular consequence: missense variant.
Genome position (GRCh38, 1-based): chr17:10,525,822, G>T on the plus strand (C>A on the coding strand, the complement: MYH2 is on the minus strand). VCF-style: chr17-10525822-G-T. GRCh37 (hg19) VCF-style: chr17-10429139-G-T.
Other names: c.4242C>A, p.Asn1414Lys (NM_001100112.2); short protein forms N1414K.
Identifiers: ClinVar variation 534340 (VCV000534340.7), dbSNP rs146615128, ClinGen allele CA8390685.

ClinVar aggregate classification (germline): Uncertain significance. Review status: criteria provided, multiple submitters, no conflicts (2 of 4 stars). 2 submissions from 2 submitters: Uncertain significance (2). Last evaluated 2022-11-08.

Conditions:
Myopathy, proximal, and ophthalmoplegia (CMYO6). Also called: MYOPATHY WITH CONGENITAL JOINT CONTRACTURES, OPHTHALMOPLEGIA, AND RIMMED VACUOLES; CONGENITAL MYOPATHY 6 WITH OPHTHALMOPLEGIA; INCLUSION BODY MYOPATHY 3, AUTOSOMAL DOMINANT. Identifiers: Orphanet 363677, Orphanet 79091, MedGen C1854106, MONDO:0011577, OMIM 605637.

gnomAD v4.1: 6 of 1,614,108 alleles (0.00037%); highest among the groups gnomAD compares: Admixed American, 0.005%; no homozygotes.

Submissions (2):

Labcorp Genetics (formerly Invitae), Labcorp
Classification: Uncertain significance for Myopathy, proximal, and ophthalmoplegia. Last evaluated: 2022-11-08. Review status: criteria provided, single submitter. Criteria: Invitae Variant Classification Sherloc (09022015). Collection method: clinical testing. Allele origin: germline.
Comment: Advanced modeling of protein sequence and biophysical properties (such as structural, functional, and spatial information, amino acid conservation, physicochemical variation, residue mobility, and thermodynamic stability) performed at Invitae indicates that this missense variant is not expected to disrupt MYH2 protein function. In summary, the available evidence is currently insufficient to determine the role of this variant in disease. Therefore, it has been classified as a Variant of Uncertain Significance. ClinVar contains an entry for this variant (Variation ID: 534340). This variant has not been reported in the literature in individuals affected with MYH2-related conditions. This variant is present in population databases (rs146615128, gnomAD 0.006%). This sequence change replaces asparagine, which is neutral and polar, with lysine, which is basic and polar, at codon 1414 of the MYH2 protein (p.Asn1414Lys).

Blueprint Genetics
Classification: Uncertain significance. Last evaluated: 2020-06-04. Review status: criteria provided, single submitter. Criteria: ACMG Guidelines, 2015. Collection method: clinical testing. Allele origin: germline.